The following is an entry in ClinVar:

ClinVar aggregate classification (germline): Likely pathogenic. Review status: criteria provided, multiple submitters, no conflicts (2 of 4 stars). 2 submissions from 2 submitters: Likely pathogenic (2). Last evaluated 2024-06-05.

Conditions:
Familial thoracic aortic aneurysm and aortic dissection (TAAD). Also called: Thoracic aortic aneurysms and dissections. Identifiers: Orphanet 91387, MedGen C4707243, MONDO:0019625.
FBN1-related disorder. Also called: FBN1-related disorders.

Submissions (2):

Blueprint Genetics
Classification: Likely pathogenic for FBN1-related disorders. Last evaluated: 2024-06-05. Review status: criteria provided, single submitter. Criteria: ACMG Guidelines, 2015. Collection method: clinical testing. Allele origin: germline. Affected: yes. Observed: 1 variant allele.

Ambry Genetics
Classification: Likely pathogenic for Familial thoracic aortic aneurysm and aortic dissection. Last evaluated: 2024-01-17. Review status: criteria provided, single submitter. Criteria: Ambry Variant Classification Scheme 2023. Collection method: clinical testing. Allele origin: germline.
Comment: The p.C1444F variant (also known as c.4331G>T), located in coding exon 34 of the FBN1 gene, results from a G to T substitution at nucleotide position 4331. The cysteine at codon 1444 is replaced by phenylalanine, an amino acid with highly dissimilar properties. This alteration has been reported in association with Marfan syndrome (Takeda N et al. Circ Genom Precis Med, 2018 Jun;11:e002058). Based on internal structural assessment, this alteration eliminates a structurally critical disulfide bond in the structurally sensitive cbEGF-like domain #20. The majority of FBN1 mutations identified to date have involved the substitution or generation of cysteine residues within cbEGF domains (Vollbrandt T et al. J Biol Chem. 2004;279(31):32924-32931). This variant is considered to be rare based on population cohorts in the Genome Aggregation Database (gnomAD). This amino acid position is highly conserved in available vertebrate species. In addition, this alteration is predicted to be deleterious by in silico analysis. Based on the majority of available evidence to date, this variant is likely to be pathogenic.

Literature cited by the submitters: PubMed 29848614 (cited by Ambry Genetics).

NM_000138.5(FBN1):c.4331G>T (p.Cys1444Phe)

Genes: FBN1 (fibrillin 1; minus strand), LOC126862124 (CDK7 strongly-dependent group 2 enhancer GRCh37_chr15:48764566-48765765; plus strand). Cytogenetic location: 15q21.1.
Variant type: single nucleotide variant.
Coding change: c.4331G>T on transcript NM_000138.5 (MANE Select); coding-DNA position 4331, G replaced by T.
Protein change: p.Cys1444Phe; replaces cysteine 1444 with phenylalanine.
Molecular consequence: missense variant.
Genome position (GRCh38, 1-based): chr15:48,472,556, C>A on the plus strand (G>T on the coding strand, the complement: FBN1 is on the minus strand). VCF-style: chr15-48472556-C-A. GRCh37 (hg19) VCF-style: chr15-48764753-C-A.
Other names: c.4331G>T, p.Cys1444Phe (NM_001406716.1); short protein forms C1444F.
Identifiers: ClinVar variation 3230417 (VCV003230417.2), dbSNP rs886038940, ClinGen allele CA392317540.